The following is an entry in ClinVar:

NM_024854.5(PYROXD1):c.335T>C (p.Leu112Pro)

Gene: PYROXD1 (pyridine nucleotide-disulphide oxidoreductase domain 1; plus strand). Cytogenetic location: 12p12.1.
Variant type: single nucleotide variant.
Coding change: c.335T>C on transcript NM_024854.5 (MANE Select); coding-DNA position 335, T replaced by C.
Protein change: p.Leu112Pro; replaces leucine 112 with proline.
Molecular consequence: missense variant. On other transcripts: 5 prime UTR variant (1).
Genome position (GRCh38, 1-based): chr12:21,449,612, T>C. VCF-style: chr12-21449612-T-C. GRCh37 (hg19) VCF-style: chr12-21602546-T-C.
Other names: c.122T>C, p.Leu41Pro (NM_001350912.2); c.-369T>C (NM_001350913.2); short protein forms L112P, L41P.
Identifiers: ClinVar variation 1481184 (VCV001481184.9), dbSNP rs2137256805, ClinGen allele CA384301880.

ClinVar aggregate classification (germline): Uncertain significance. Review status: criteria provided, multiple submitters, no conflicts (2 of 4 stars). 2 submissions from 2 submitters: Uncertain significance (2). Last evaluated 2021-11-09.

Allele frequency attached by ClinVar (database versions not stated): gnomAD exomes below 0.00001.
gnomAD v4.1: 1 of 1,613,362 alleles (0.000062%); highest among the groups gnomAD compares: Non-Finnish European, 0.000085%; no homozygotes.

Submissions (2):

Blueprint Genetics
Classification: Uncertain significance. Last evaluated: 2021-11-09. Review status: criteria provided, single submitter. Criteria: ACMG Guidelines, 2015. Collection method: clinical testing. Allele origin: germline.

Labcorp Genetics (formerly Invitae), Labcorp
Classification: Uncertain significance. Last evaluated: 2021-06-04. Review status: criteria provided, single submitter. Criteria: Invitae Variant Classification Sherloc (09022015). Collection method: clinical testing. Allele origin: germline.
Comment: This sequence change replaces leucine with proline at codon 112 of the PYROXD1 protein (p.Leu112Pro). The leucine residue is highly conserved and there is a moderate physicochemical difference between leucine and proline. This variant is not present in population databases (ExAC no frequency). This variant has not been reported in the literature in individuals with PYROXD1-related conditions. Algorithms developed to predict the effect of missense changes on protein structure and function are either unavailable or do not agree on the potential impact of this missense change (SIFT: "Deleterious"; PolyPhen-2: "Probably Damaging"; Align-GVGD: "Class C0"). In summary, the available evidence is currently insufficient to determine the role of this variant in disease. Therefore, it has been classified as a Variant of Uncertain Significance.